The following is an entry in ClinVar:

ClinVar aggregate classification (germline): Likely pathogenic (1 of 4 stars; one submission).

Submission:

GeneDx
Classification: Likely pathogenic. Last evaluated: 2025-03-18. Review status: criteria provided, single submitter. Criteria: GeneDx Variant Classification Process June 2021. Collection method: clinical testing. Allele origin: germline. Affected: yes.
Comment: Frameshift variant predicted to result in protein truncation or nonsense mediated decay in a gene for which loss of function is a known mechanism of disease; Not observed at significant frequency in large population cohorts (gnomAD); Has not been previously published as pathogenic or benign to our knowledge

NM_133261.3(GIPC3):c.146dup (p.Lys51fs)

Gene: GIPC3 (GIPC PDZ domain containing family member 3; plus strand). Cytogenetic location: 19p13.3.
Variant type: Duplication.
Coding change: c.146dup on transcript NM_133261.3 (MANE Select); coding-DNA position 146, one base duplicated (C; older notation c.146dupC).
Protein change: p.Lys51fs; shifts the reading frame from lysine 51.
Molecular consequence: frameshift variant.
Genome position (GRCh38, 1-based): chr19:3,585,743, C duplicated. VCF-style (leftmost placement, unchanged base first): chr19-3585742-A-AC. GRCh37 (hg19) VCF-style: chr19-3585740-A-AC.
Other names: c.146dup, p.Lys51fs (NM_001411144.1); short protein forms K51fs.
Identifiers: ClinVar variation 4086564 (VCV004086564.1).